The following is an entry in ClinVar:

ClinVar aggregate classification (germline): Uncertain significance (1 of 4 stars; one submission).

Submission:

Labcorp Genetics (formerly Invitae), Labcorp
Classification: Uncertain significance. Last evaluated: 2024-06-20. Review status: criteria provided, single submitter. Criteria: Invitae Variant Classification Sherloc (09022015). Collection method: clinical testing. Allele origin: germline.
Comment: This sequence change replaces serine, which is neutral and polar, with phenylalanine, which is neutral and non-polar, at codon 1126 of the HPS5 protein (p.Ser1126Phe). This variant is not present in population databases (gnomAD no frequency). This variant has not been reported in the literature in individuals affected with HPS5-related conditions. An algorithm developed to predict the effect of missense changes on protein structure and function (PolyPhen-2) suggests that this variant is likely to be disruptive. In summary, the available evidence is currently insufficient to determine the role of this variant in disease. Therefore, it has been classified as a Variant of Uncertain Significance.

NM_181507.2(HPS5):c.3377C>T (p.Ser1126Phe)

Gene: HPS5 (HPS5 biogenesis of lysosomal organelles complex 2 subunit 2; minus strand). Cytogenetic location: 11p15.1.
Variant type: single nucleotide variant.
Coding change: c.3377C>T on transcript NM_181507.2 (MANE Select); coding-DNA position 3377, C replaced by T.
Protein change: p.Ser1126Phe; replaces serine 1126 with phenylalanine.
Molecular consequence: missense variant.
Genome position (GRCh38, 1-based): chr11:18,279,895, G>A on the plus strand (C>T on the coding strand, the complement: HPS5 is on the minus strand). VCF-style: chr11-18279895-G-A. GRCh37 (hg19) VCF-style: chr11-18301442-G-A.
Other names: c.3035C>T, p.Ser1012Phe (NM_007216.4, NM_181508.2); short protein forms S1012F, S1126F.
Identifiers: ClinVar variation 3657149 (VCV003657149.2).